The following is an entry in ClinVar:

ClinVar aggregate classification (germline): Pathogenic (1 of 4 stars; one submission).

Conditions:
Dyskeratosis congenita, autosomal dominant 2. Identifiers: MedGen C3151443, MONDO:0013521, OMIM 613989.
Idiopathic Pulmonary Fibrosis. Also called: Idiopathic fibrosing alveolitis, chronic form; idiopathic fibrosing alveolitis. Identifiers: Orphanet 2032, MedGen C1800706, MeSH D054990, MONDO:0800504.

Submission:

Labcorp Genetics (formerly Invitae), Labcorp
Classification: Pathogenic for Dyskeratosis congenita, autosomal dominant 2; Idiopathic Pulmonary Fibrosis. Last evaluated: 2023-02-09. Review status: criteria provided, single submitter. Criteria: Invitae Variant Classification Sherloc (09022015). Collection method: clinical testing. Allele origin: germline.
Comment: For these reasons, this variant has been classified as Pathogenic. This variant has not been reported in the literature in individuals affected with TERT-related conditions. This variant is not present in population databases (gnomAD no frequency). This sequence change creates a premature translational stop signal (p.Pro164Leufs*26) in the TERT gene. It is expected to result in an absent or disrupted protein product. Loss-of-function variants in TERT are known to be pathogenic (PMID: 16247010, 17460043).

Literature cited by the submitters: PubMed 16247010; PubMed 17460043.

NM_198253.3(TERT):c.489_493del (p.Pro164fs)

Gene: TERT (telomerase reverse transcriptase; minus strand). Cytogenetic location: 5p15.33.
Variant type: Deletion.
Coding change: c.489_493del on transcript NM_198253.3 (MANE Select); coding-DNA positions 489 to 493, 5 bases deleted (TCCCA; older notation c.489_493delTCCCA).
Protein change: p.Pro164fs; shifts the reading frame from proline 164.
Molecular consequence: frameshift variant. On other transcripts: non-coding transcript variant (2).
Genome position (GRCh38, 1-based): chr5:1,294,393-1,294,397, TGGGA deleted on the plus strand (TCCCA on the coding strand, the reverse complement: TERT is on the minus strand). VCF-style (leftmost placement, unchanged base first): chr5-1294392-CTGGGA-C. GRCh37 (hg19) VCF-style: chr5-1294507-CTGGGA-C.
Other names: c.489_493del, p.Pro164fs (NM_001193376.3); c.489_493delTCCCA, p.Pro164Leufs (NM_003219.1); short protein forms P164fs.
Identifiers: ClinVar variation 2940377 (VCV002940377.3), dbSNP rs2478426798, ClinGen allele CA2740091662.